The following is an entry in ClinVar:

ClinVar aggregate classification (germline): Uncertain significance. Review status: criteria provided, multiple submitters, no conflicts (2 of 4 stars). 2 submissions from 2 submitters: Uncertain significance (2). Last evaluated 2025-10-02.

Conditions:
Inborn genetic diseases. Identifiers: MedGen C0950123, MeSH D030342.

Allele frequency attached by ClinVar (database versions not stated): ExAC 0.00001; gnomAD exomes 0.00001; TOPMed 0.00001.
gnomAD v4.1: 7 of 1,614,068 alleles (0.00043%); highest among the groups gnomAD compares: African/African-American, 0.0027%; no homozygotes.

Submissions (2):

Ambry Genetics
Classification: Uncertain significance for Inborn genetic diseases. Last evaluated: 2025-10-02. Review status: criteria provided, single submitter. Criteria: Ambry Variant Classification Scheme 2023. Collection method: clinical testing. Allele origin: germline.

Labcorp Genetics (formerly Invitae), Labcorp
Classification: Uncertain significance. Last evaluated: 2022-05-11. Review status: criteria provided, single submitter. Criteria: Invitae Variant Classification Sherloc (09022015). Collection method: clinical testing. Allele origin: germline.
Comment: In summary, the available evidence is currently insufficient to determine the role of this variant in disease. Therefore, it has been classified as a Variant of Uncertain Significance. Algorithms developed to predict the effect of missense changes on protein structure and function are either unavailable or do not agree on the potential impact of this missense change (SIFT: "Tolerated"; PolyPhen-2: "Possibly Damaging"; Align-GVGD: "Class C15"). This variant has not been reported in the literature in individuals affected with SLC25A19-related conditions. This variant is present in population databases (rs753391010, gnomAD 0.007%). This sequence change replaces arginine, which is basic and polar, with cysteine, which is neutral and slightly polar, at codon 49 of the SLC25A19 protein (p.Arg49Cys).

NM_001126121.2(SLC25A19):c.145C>T (p.Arg49Cys)

Gene: SLC25A19 (solute carrier family 25 member 19; minus strand). Cytogenetic location: 17q25.1.
Variant type: single nucleotide variant.
Coding change: c.145C>T on transcript NM_001126121.2 (MANE Select); coding-DNA position 145, C replaced by T.
Protein change: p.Arg49Cys; replaces arginine 49 with cysteine.
Molecular consequence: missense variant.
Genome position (GRCh38, 1-based): chr17:75,286,447, G>A on the plus strand (C>T on the coding strand, the complement: SLC25A19 is on the minus strand). VCF-style: chr17-75286447-G-A. GRCh37 (hg19) VCF-style: chr17-73282528-G-A.
Other names: c.145C>T (NM_021734.4); c.145C>T, p.Arg49Cys (NM_001126122.2, NM_021734.5); short protein forms R49C.
Identifiers: ClinVar variation 1931527 (VCV001931527.6), dbSNP rs753391010, ClinGen allele CA8761078.